The following is an entry in ClinVar:

NM_016203.4(PRKAG2):c.186G>A (p.Lys62=)

Gene: PRKAG2 (protein kinase AMP-activated non-catalytic subunit gamma 2; minus strand). Cytogenetic location: 7q36.1.
Variant type: single nucleotide variant.
Coding change: c.186G>A on transcript NM_016203.4 (MANE Select); coding-DNA position 186, G replaced by A.
Protein change: p.Lys62=; no amino-acid change (lysine 62 retained).
Molecular consequence: synonymous variant. On other transcripts: intron variant (1).
Genome position (GRCh38, 1-based): chr7:151,786,470, C>T on the plus strand (G>A on the coding strand, the complement: PRKAG2 is on the minus strand). VCF-style: chr7-151786470-C-T. GRCh37 (hg19) VCF-style: chr7-151483556-C-T.
Other names: c.54G>A, p.Lys18= (NM_001040633.2, NM_001407024.1, NM_001407026.1 and 2 more transcripts); c.186G>A, p.Lys62= (NM_001407021.1, NM_001407022.1, NM_001407023.1 and 2 more transcripts); c.148+27946G>A (NM_001407032.1).
Identifiers: ClinVar variation 3702225 (VCV003702225.3).

ClinVar aggregate classification (germline): Conflicting classifications of pathogenicity. Review status: criteria provided, conflicting classifications (1 of 4 stars). 2 submissions from 2 submitters: Uncertain significance (1); Likely benign (1). Last evaluated 2025-07-28.

Conditions:
Lethal congenital glycogen storage disease of heart. Also called: GLYCOGEN STORAGE DISEASE OF HEART; PHOSPHORYLASE KINASE DEFICIENCY OF HEART. Identifiers: Orphanet 439854, MedGen C1849813, MONDO:0009867, OMIM 261740.
Cardiomyopathy (CMYO). Also called: Cardiomyopathies. Identifiers: Orphanet 167848, MedGen C0878544, MONDO:0004994, HP:0001638. Inheritance: Various modes of inheritance.

gnomAD v4.1: 1 of 1,610,688 alleles (0.000062%); highest among the groups gnomAD compares: African/African-American, 0.0013%; no homozygotes.

Submissions (2):

Labcorp Genetics (formerly Invitae), Labcorp
Classification: Uncertain significance for Lethal congenital glycogen storage disease of heart. Last evaluated: 2025-07-28. Review status: criteria provided, single submitter. Criteria: Invitae Variant Classification Sherloc (09022015). Collection method: clinical testing. Allele origin: germline.
Comment: This sequence change affects codon 62 of the PRKAG2 mRNA. It is a 'silent' change, meaning that it does not change the encoded amino acid sequence of the PRKAG2 protein. This variant also falls at the last nucleotide of exon 2, which is part of the consensus splice site for this exon. This variant is present in population databases (no rsID available, gnomAD no frequency). This variant has not been reported in the literature in individuals affected with PRKAG2-related conditions. ClinVar contains an entry for this variant (Variation ID: 3702225). Variants that disrupt the consensus splice site are a relatively common cause of aberrant splicing (PMID: 17576681, 9536098). Algorithms developed to predict the effect of sequence changes on RNA splicing suggest that this variant is not likely to affect RNA splicing. In summary, the available evidence is currently insufficient to determine the role of this variant in disease. Therefore, it has been classified as a Variant of Uncertain Significance.

Color Diagnostics, LLC DBA Color Health
Classification: Likely benign for Cardiomyopathy. Last evaluated: 2025-06-17. Review status: criteria provided, single submitter. Criteria: ACMG Guidelines, 2015. Collection method: clinical testing. Allele origin: germline.

Literature cited by the submitters: PubMed 17576681 (cited by Labcorp Genetics (formerly Invitae), Labcorp); PubMed 9536098 (cited by Labcorp Genetics (formerly Invitae), Labcorp).